The following is an entry in ClinVar:

ClinVar aggregate classification (germline): Uncertain significance (1 of 4 stars; one submission).

Conditions:
Agammaglobulinemia 7, autosomal recessive (AGM7). Also called: AGAMMAGLOBULINEMIA, AUTOSOMAL RECESSIVE, DUE TO PIK3R1 DEFECT. Identifiers: MedGen C3554689, MONDO:0014083, OMIM 615214.
Immunodeficiency 36 with lymphoproliferation. Also called: Immunodeficiency 36; ACTIVATED PI3K-DELTA SYNDROME 2; Activated PI3K Delta Syndrome Type 2 (APDS2). Identifiers: Orphanet 397596, Orphanet 693681, MedGen C4014934, MONDO:0014453, OMIM 616005.
SHORT syndrome. Also called: SHORT STATURE, HYPEREXTENSIBILITY, HERNIA, OCULAR DEPRESSION, RIEGER ANOMALY, AND TEETHING DELAY; LIPODYSTROPHY, PARTIAL, WITH RIEGER ANOMALY AND SHORT STATURE; PIK3R1-Related SHORT Syndrome. Identifiers: Orphanet 3163, MedGen C0878684, MONDO:0010026, OMIM 269880.

Submission:

Labcorp Genetics (formerly Invitae), Labcorp
Classification: Uncertain significance for SHORT syndrome; Immunodeficiency 36 with lymphoproliferation; Agammaglobulinemia 7, autosomal recessive. Last evaluated: 2024-07-15. Review status: criteria provided, single submitter. Criteria: Invitae Variant Classification Sherloc (09022015). Collection method: clinical testing. Allele origin: germline.
Comment: This sequence change replaces glutamic acid, which is acidic and polar, with glutamine, which is neutral and polar, at codon 61 of the PIK3R1 protein (p.Glu61Gln). This variant is not present in population databases (gnomAD no frequency). This variant has not been reported in the literature in individuals affected with PIK3R1-related conditions. An algorithm developed to predict the effect of missense changes on protein structure and function (PolyPhen-2) suggests that this variant is likely to be disruptive. In summary, the available evidence is currently insufficient to determine the role of this variant in disease. Therefore, it has been classified as a Variant of Uncertain Significance.

NM_181523.3(PIK3R1):c.181G>C (p.Glu61Gln)

Gene: PIK3R1 (phosphoinositide-3-kinase regulatory subunit 1; plus strand). Cytogenetic location: 5q13.1.
Variant type: single nucleotide variant.
Coding change: c.181G>C on transcript NM_181523.3 (MANE Select); coding-DNA position 181, G replaced by C.
Protein change: p.Glu61Gln; replaces glutamic acid 61 with glutamine.
Molecular consequence: missense variant.
Genome position (GRCh38, 1-based): chr5:68,226,856, G>C. VCF-style: chr5-68226856-G-C. GRCh37 (hg19) VCF-style: chr5-67522684-G-C.
Other names: short protein forms E61Q.
Identifiers: ClinVar variation 3751700 (VCV003751700.2).